The following is an entry in ClinVar:

ClinVar aggregate classification (germline): Uncertain significance. Review status: criteria provided, multiple submitters, no conflicts (2 of 4 stars). 2 submissions from 2 submitters: Uncertain significance (2). Last evaluated 2025-06-13.

Conditions:
Cardiovascular phenotype. Identifiers: MedGen CN230736.
Legius syndrome. Identifiers: Orphanet 137605, MedGen C1969623, MONDO:0012669, OMIM 611431. Disease mechanism: loss of function.

Submissions (2):

Ambry Genetics
Classification: Uncertain significance for Cardiovascular phenotype. Last evaluated: 2025-06-13. Review status: criteria provided, single submitter. Criteria: Ambry Variant Classification Scheme 2023. Collection method: clinical testing. Allele origin: germline.
Comment: The p.K321N variant (also known as c.963G>C), located in coding exon 7 of the SPRED1 gene, results from a G to C substitution at nucleotide position 963. The lysine at codon 321 is replaced by asparagine, an amino acid with similar properties. This amino acid position is conserved. In addition, the in silico prediction for this alteration is inconclusive. Based on the available evidence, the clinical significance of this variant remains unclear.

Labcorp Genetics (formerly Invitae), Labcorp
Classification: Uncertain significance for Legius syndrome. Last evaluated: 2021-12-15. Review status: criteria provided, single submitter. Criteria: Invitae Variant Classification Sherloc (09022015). Collection method: clinical testing. Allele origin: germline.
Comment: This sequence change replaces lysine, which is basic and polar, with asparagine, which is neutral and polar, at codon 321 of the SPRED1 protein (p.Lys321Asn). In summary, the available evidence is currently insufficient to determine the role of this variant in disease. Therefore, it has been classified as a Variant of Uncertain Significance. Algorithms developed to predict the effect of missense changes on protein structure and function are either unavailable or do not agree on the potential impact of this missense change (SIFT: "Tolerated"; PolyPhen-2: "Possibly Damaging"; Align-GVGD: "Class C0"). This variant has not been reported in the literature in individuals affected with SPRED1-related conditions. This variant is not present in population databases (gnomAD no frequency).

NM_152594.3(SPRED1):c.963G>C (p.Lys321Asn)

Gene: SPRED1 (sprouty related EVH1 domain containing 1; plus strand). Cytogenetic location: 15q14.
Variant type: single nucleotide variant.
Coding change: c.963G>C on transcript NM_152594.3 (MANE Select); coding-DNA position 963, G replaced by C.
Protein change: p.Lys321Asn; replaces lysine 321 with asparagine.
Molecular consequence: missense variant.
Genome position (GRCh38, 1-based): chr15:38,351,292, G>C. VCF-style: chr15-38351292-G-C. GRCh37 (hg19) VCF-style: chr15-38643493-G-C.
Other names: c.963G>C (NM_152594.2); short protein forms K321N.
Identifiers: ClinVar variation 2009090 (VCV002009090.5), dbSNP rs369711772, ClinGen allele CA391933639.